The following is an entry in ClinVar:

NM_002473.6(MYH9):c.1409A>G (p.Asn470Ser)

Gene: MYH9 (myosin heavy chain 9; minus strand). Cytogenetic location: 22q12.3.
Variant type: single nucleotide variant.
Coding change: c.1409A>G on transcript NM_002473.6 (MANE Select); coding-DNA position 1409, A replaced by G.
Protein change: p.Asn470Ser; replaces asparagine 470 with serine.
Molecular consequence: missense variant.
Genome position (GRCh38, 1-based): chr22:36,314,290, T>C on the plus strand (A>G on the coding strand, the complement: MYH9 is on the minus strand). VCF-style: chr22-36314290-T-C. GRCh37 (hg19) VCF-style: chr22-36710335-T-C.
Other names: short protein forms N470S.
Identifiers: ClinVar variation 1050842 (VCV001050842.3), dbSNP rs751720764, ClinGen allele CA10210280.
Genomic context (GRCh38, chr22:36,314,290, plus strand): 5'-TCCTGCTCCAGGATGAACATGGTGTGGTTGAAGAGCTGCTGCAGCTTCTCATTGGTGTAA[T>C]TGATGCACAGCTGCTCAAACGAGTTCAGCTGCAAGGAGAGAAAACAATGTCAGAGAGACG-3'
Protein context (NP_002464.1, residues 460-480): DLNSFEQLCI[Asn470Ser]YTNEKLQQLF

ClinVar aggregate classification (germline): Uncertain significance (1 of 4 stars; one submission).

Allele frequency attached by ClinVar (database versions not stated): gnomAD exomes 0.00001; TOPMed 0.00002; ExAC 0.00001.
gnomAD v4.1: 9 of 1,614,154 alleles (0.00056%); highest among the groups gnomAD compares: Admixed American, 0.0017%; no homozygotes.

Submission:

Women's Health and Genetics/Laboratory Corporation of America, LabCorp
Classification: Uncertain significance. Last evaluated: 2025-04-04. Review status: criteria provided, single submitter. Criteria: LabCorp Variant Classification Summary - May 2015. Collection method: clinical testing. Allele origin: germline.
Comment: Variant summary: MYH9 c.1409A>G (p.Asn470Ser) results in a conservative amino acid change located in the Myosin head, motor domain (IPR001609) of the encoded protein sequence. Three of five in-silico tools predict a damaging effect of the variant on protein function. The variant allele was found at a frequency of 1.2e-05 in 251456 control chromosomes. The available data on variant occurrences in the general population are insufficient to allow any conclusion about variant significance. c.1409A>G has not been reported in the literature in individuals affected with Autosomal Dominant Nonsyndromic Deafness 17. To our knowledge, no experimental evidence demonstrating an impact on protein function has been reported. ClinVar contains an entry for this variant (Variation ID: 1050842). Based on the evidence outlined above, the variant was classified as uncertain significance.

Literature cited by the submitters: PubMed 24436421.